The following is an entry in ClinVar:

NM_025233.7(COASY):c.1064C>T (p.Pro355Leu)

Gene: COASY (Coenzyme A synthase; plus strand). Cytogenetic location: 17q21.2.
Variant type: single nucleotide variant.
Coding change: c.1064C>T on transcript NM_025233.7 (MANE Select); coding-DNA position 1064, C replaced by T.
Protein change: p.Pro355Leu; replaces proline 355 with leucine.
Molecular consequence: missense variant.
Genome position (GRCh38, 1-based): chr17:42,564,725, C>T. VCF-style: chr17-42564725-C-T. GRCh37 (hg19) VCF-style: chr17-40716743-C-T.
Other names: c.1064C>T, p.Pro355Leu (NM_001042529.3); c.1151C>T, p.Pro384Leu (NM_001042532.4); c.1151C>T (NM_001042532.2); short protein forms P355L, P384L.
Identifiers: ClinVar variation 690397 (VCV000690397.11), dbSNP rs373975726, ClinGen allele CA8578196.

ClinVar aggregate classification (germline): Uncertain significance. Review status: criteria provided, multiple submitters, no conflicts (2 of 4 stars). 4 submissions from 4 submitters: Uncertain significance (4). Last evaluated 2025-10-02.

Conditions:
Neurodegeneration with brain iron accumulation 6 (NBIA6). Also called: COASY protein-associated neurodegeneration. Identifiers: Orphanet 397725, MedGen C4517377, MONDO:0014290, OMIM 615643.

Allele frequency attached by ClinVar (database versions not stated): gnomAD exomes 0.00001 and 0.00005; ExAC 0.00005; ESP Exome Variant Server 0.00015; TOPMed 0.00019; gnomAD 0.00021.
gnomAD v4.1: 43 of 1,527,404 alleles (0.0028%); highest among the groups gnomAD compares: African/African-American, 0.058%; no homozygotes.

Submissions (4):

GeneDx
Classification: Uncertain significance. Last evaluated: 2025-10-02. Review status: criteria provided, single submitter. Criteria: GeneDx Variant Classification Process June 2021. Collection method: clinical testing. Allele origin: germline.
Comment: In silico analysis supports that this missense variant has a deleterious effect on protein structure/function; Has not been previously published as pathogenic or benign to our knowledge

Ambry Genetics
Classification: Uncertain significance. Last evaluated: 2025-08-31. Review status: criteria provided, single submitter. Criteria: Ambry Variant Classification Scheme 2023. Collection method: clinical testing. Allele origin: germline.

Labcorp Genetics (formerly Invitae), Labcorp
Classification: Uncertain significance for Neurodegeneration with brain iron accumulation 6. Last evaluated: 2022-03-15. Review status: criteria provided, single submitter. Criteria: Invitae Variant Classification Sherloc (09022015). Collection method: clinical testing. Allele origin: germline.
Comment: This sequence change replaces proline, which is neutral and non-polar, with leucine, which is neutral and non-polar, at codon 355 of the COASY protein (p.Pro355Leu). This variant is present in population databases (rs373975726, gnomAD 0.04%). This variant has not been reported in the literature in individuals affected with COASY-related conditions. ClinVar contains an entry for this variant (Variation ID: 690397). Algorithms developed to predict the effect of missense changes on protein structure and function are either unavailable or do not agree on the potential impact of this missense change (SIFT: "Deleterious"; PolyPhen-2: "Benign"; Align-GVGD: "Class C0"). In summary, the available evidence is currently insufficient to determine the role of this variant in disease. Therefore, it has been classified as a Variant of Uncertain Significance.

HudsonAlpha Institute for Biotechnology
Classification: Uncertain significance for Neurodegeneration with brain iron accumulation 6. Last evaluated: 2019-03-29. Review status: criteria provided, single submitter. Criteria: ACMG Guidelines, 2015. Collection method: research. Allele origin: maternal. Observed: 1 variant allele. Study: HudsonAlpha-AGHI-WGS.